The following is an entry in ClinVar:

ClinVar aggregate classification (germline): Pathogenic (1 of 4 stars; one submission).

Submission:

Labcorp Genetics (formerly Invitae), Labcorp
Classification: Pathogenic. Last evaluated: 2022-03-19. Review status: criteria provided, single submitter. Criteria: Invitae Variant Classification Sherloc (09022015). Collection method: clinical testing. Allele origin: germline.
Comment: For these reasons, this variant has been classified as Pathogenic. This variant disrupts a region of the ASXL1 protein in which other variant(s) (p.Gly646Trpfs*12) have been determined to be pathogenic (PMID: 29681105, 30147881). This suggests that this is a clinically significant region of the protein, and that variants that disrupt it are likely to be disease-causing. This variant has not been reported in the literature in individuals affected with ASXL1-related conditions. This variant is a gross deletion of the genomic region encompassing exon(s) 5-13 of the ASXL1 gene, which includes the termination codon. This deletion extends beyond the assayed region for this gene and therefore may encompass additional genes. While this deletion is not anticipated to lead to nonsense mediated decay, it is expected to alter mRNA translation or result in a truncated protein product.

Literature cited by the submitters: PubMed 29681105; PubMed 30147881.

NC_000020.10:g.(?_31015911)_(31025141_?)del

Gene: ASXL1 (ASXL transcriptional regulator 1; plus strand). Cytogenetic location: 20q11.21.
Variant type: Deletion.
Identifiers: ClinVar variation 2426141 (VCV002426141.4).